The following is an entry in ClinVar:

NM_004168.4(SDHA):c.219C>G (p.Gly73=)

Gene: SDHA (succinate dehydrogenase complex flavoprotein subunit A; plus strand). Cytogenetic location: 5p15.33.
Variant type: single nucleotide variant.
Coding change: c.219C>G on transcript NM_004168.4 (MANE Select); coding-DNA position 219, C replaced by G.
Protein change: p.Gly73=; no amino-acid change (glycine 73 retained).
Molecular consequence: synonymous variant.
Genome position (GRCh38, 1-based): chr5:224,428, C>G. VCF-style: chr5-224428-C-G. GRCh37 (hg19) VCF-style: chr5-224543-C-G.
Other names: c.219C>G, p.Gly73= (NM_001294332.2, NM_001330758.2).
Identifiers: ClinVar variation 239663 (VCV000239663.17), dbSNP rs776288745, ClinGen allele CA3172751.

ClinVar aggregate classification (germline): Benign/Likely benign. Review status: criteria provided, multiple submitters, no conflicts (2 of 4 stars). 3 submissions from 3 submitters: Benign (1); Likely benign (2). Last evaluated 2025-02-28.

Conditions:
Mitochondrial complex II deficiency, nuclear type 1. Also called: SUCCINATE CoQ REDUCTASE DEFICIENCY. Identifiers: Orphanet 3208, MedGen C5700310, MONDO:0100294, OMIM 252011.
Pheochromocytoma/paraganglioma syndrome 5. Also called: Paragangliomas 5; SDHA-Related Hereditary Paraganglioma-Pheochromocytoma Syndrome. Identifiers: Orphanet 29072, MedGen C3279992, MONDO:0013602, OMIM 614165.
Hereditary cancer-predisposing syndrome. Also called: Hereditary Cancer Syndrome; Hereditary neoplastic syndrome; Neoplastic Syndromes, Hereditary; Tumor predisposition. Identifiers: Orphanet 140162, MedGen C0027672, MeSH D009386, MONDO:0015356.

Allele frequency attached by ClinVar (database versions not stated): ExAC 0.00001; gnomAD 0.00001.
gnomAD v4.1: 3 of 1,613,536 alleles (0.00019%); highest among the groups gnomAD compares: East Asian, 0.0045%; no homozygotes.

Submissions (3):

Myriad Genetics, Inc.
Classification: Benign for Pheochromocytoma/paraganglioma syndrome 5. Last evaluated: 2025-02-28. Review status: criteria provided, single submitter. Criteria: Myriad Autosomal Dominant, Autosomal Recessive and X-Linked Classification Criteria (2023). Collection method: clinical testing. Allele origin: unknown.
Comment: This variant is considered benign. This variant is a silent/synonymous amino acid change and it is not expected to impact splicing.

Labcorp Genetics (formerly Invitae), Labcorp
Classification: Likely benign for Pheochromocytoma/paraganglioma syndrome 5; Mitochondrial complex II deficiency, nuclear type 1. Last evaluated: 2024-11-21. Review status: criteria provided, single submitter. Criteria: Invitae Variant Classification Sherloc (09022015). Collection method: clinical testing. Allele origin: germline.

Ambry Genetics
Classification: Likely benign for Hereditary cancer-predisposing syndrome. Last evaluated: 2019-06-07. Review status: criteria provided, single submitter. Criteria: Ambry Variant Classification Scheme 2023. Collection method: clinical testing. Allele origin: germline.